The following is an entry in ClinVar:

NM_016222.4(DDX41):c.215G>A (p.Gly72Glu)

Gene: DDX41 (DEAD-box helicase 41; minus strand). Cytogenetic location: 5q35.3.
Variant type: single nucleotide variant.
Coding change: c.215G>A on transcript NM_016222.4 (MANE Select); coding-DNA position 215, G replaced by A.
Protein change: p.Gly72Glu; replaces glycine 72 with glutamic acid.
Molecular consequence: missense variant. On other transcripts: 5 prime UTR variant (2).
Genome position (GRCh38, 1-based): chr5:177,516,371, C>T on the plus strand (G>A on the coding strand, the complement: DDX41 is on the minus strand). VCF-style: chr5-177516371-C-T. GRCh37 (hg19) VCF-style: chr5-176943372-C-T.
Other names: c.-164G>A (NM_001321732.2, NM_001321830.2); short protein forms G72E.
Identifiers: ClinVar variation 4238809 (VCV004238809.1).
Genomic context (GRCh38, chr5:177,516,371, plus strand): 5'-TGGTGCTGATCCAGGAGGCTGACGTTGGACTGAGGGCCTAGCGGGATGTCGTCCTCATCT[C>T]CCCGGGGTTCACTACCGCTGTCCTGCTGCTCTTCCTCCGCAGCTCCCTTGCGTCTTCGCT-3'
Protein context (NP_057306.2, residues 62-82): EQQDSGSEPR[Gly72Glu]DEDDIPLGPQ

ClinVar aggregate classification (germline): Uncertain significance (1 of 4 stars; one submission).

Conditions:
Inborn genetic diseases. Identifiers: MedGen C0950123, MeSH D030342.

Submission:

Ambry Genetics
Classification: Uncertain significance for Inborn genetic diseases. Last evaluated: 2025-08-20. Review status: criteria provided, single submitter. Criteria: Ambry Variant Classification Scheme 2023. Collection method: clinical testing. Allele origin: germline.
Comment: The p.G72E variant (also known as c.215G>A), located in coding exon 3 of the DDX41 gene, results from a G to A substitution at nucleotide position 215. The glycine at codon 72 is replaced by glutamic acid, an amino acid with similar properties. This amino acid position is conserved. In addition, this alteration is predicted to be tolerated by in silico analysis. Based on the available evidence, the clinical significance of this variant remains unclear.